The following is an entry in ClinVar:

ClinVar aggregate classification (germline): Uncertain significance (1 of 4 stars; one submission).

Allele frequency attached by ClinVar (database versions not stated): gnomAD exomes below 0.00001; ExAC 0.00002.
gnomAD v4.1: 6 of 1,613,994 alleles (0.00037%); highest among the groups gnomAD compares: South Asian, 0.0011%; no homozygotes.

Submission:

Labcorp Genetics (formerly Invitae), Labcorp
Classification: Uncertain significance. Last evaluated: 2024-10-24. Review status: criteria provided, single submitter. Criteria: Invitae Variant Classification Sherloc (09022015). Collection method: clinical testing. Allele origin: germline.
Comment: This sequence change replaces serine, which is neutral and polar, with alanine, which is neutral and non-polar, at codon 65 of the EIF2B4 protein (p.Ser65Ala). This variant is present in population databases (rs754066143, gnomAD 0.004%). This variant has not been reported in the literature in individuals affected with EIF2B4-related conditions. ClinVar contains an entry for this variant (Variation ID: 2026500). An algorithm developed to predict the effect of missense changes on protein structure and function (PolyPhen-2) suggests that this variant is likely to be tolerated. In summary, the available evidence is currently insufficient to determine the role of this variant in disease. Therefore, it has been classified as a Variant of Uncertain Significance.

NM_001034116.2(EIF2B4):c.193T>G (p.Ser65Ala)

Gene: EIF2B4 (eukaryotic translation initiation factor 2B subunit delta; minus strand). Cytogenetic location: 2p23.3.
Variant type: single nucleotide variant.
Coding change: c.193T>G on transcript NM_001034116.2 (MANE Select); coding-DNA position 193, T replaced by G.
Protein change: p.Ser65Ala; replaces serine 65 with alanine.
Molecular consequence: missense variant. On other transcripts: 5 prime UTR variant (2).
Genome position (GRCh38, 1-based): chr2:27,369,432, A>C on the plus strand (T>G on the coding strand, the complement: EIF2B4 is on the minus strand). VCF-style: chr2-27369432-A-C. GRCh37 (hg19) VCF-style: chr2-27592299-A-C.
Other names: c.256T>G, p.Ser86Ala (NM_001318965.2, NM_172195.4); c.148T>G, p.Ser50Ala (NM_001318966.2); c.103T>G, p.Ser35Ala (NM_001318967.2); c.-323T>G (NM_001318968.2); c.-400T>G (NM_001318969.2); c.193T>G, p.Ser65Ala (NM_015636.4); short protein forms S35A, S50A, S65A, S86A.
Identifiers: ClinVar variation 2026500 (VCV002026500.3), dbSNP rs754066143, ClinGen allele CA1576993.
Genomic context (GRCh38, chr2:27,369,432, plus strand): 5'-CAGCTCCACACCCCAGCCCTTTAAAAGAGACCCCTCACTCACCTTGACATTGGGCTGCAG[A>C]TACAGCAGAGCCAGTCTCTGGTTCTGCCCCCTTTTCTTCCTTCCGTTTCTTCTTCTGCTG-3'
Protein context (NP_001029288.1, residues 55-75): GAEPETGSAV[Ser65Ala]AAQCQVGPTR